The following is an entry in ClinVar:

NM_000836.4(GRIN2D):c.3847C>T (p.Pro1283Ser)

Gene: GRIN2D (glutamate ionotropic receptor NMDA type subunit 2D; plus strand). Cytogenetic location: 19q13.33.
Variant type: single nucleotide variant.
Coding change: c.3847C>T on transcript NM_000836.4 (MANE Select); coding-DNA position 3847, C replaced by T.
Protein change: p.Pro1283Ser; replaces proline 1283 with serine.
Molecular consequence: missense variant.
Genome position (GRCh38, 1-based): chr19:48,443,773, C>T. VCF-style: chr19-48443773-C-T. GRCh37 (hg19) VCF-style: chr19-48947030-C-T.
Other names: short protein forms P1283S.
Identifiers: ClinVar variation 2500040 (VCV002500040.1), dbSNP rs2513694222, ClinGen allele CA406678589.

ClinVar aggregate classification (germline): Uncertain significance (1 of 4 stars; one submission).

Conditions:
Developmental and epileptic encephalopathy, 46 (DEE46). Also called: GRIN2D-Related Developmental and Epileptic Encephalopathy; Epileptic encephalopathy, early infantile, 46. Identifiers: MedGen C4310687, MONDO:0014947, OMIM 617162.

Submission:

Center for Genomics, Ann and Robert H. Lurie Children's Hospital of Chicago
Classification: Uncertain significance for Developmental and epileptic encephalopathy, 46. Last evaluated: 2022-01-20. Review status: criteria provided, single submitter. Criteria: ACMG Guidelines, 2015. Collection method: clinical testing. Allele origin: germline.
Comment: GRIN2D NM_000836.2 exon 13 p.Pro1283Ser (c.3847C>T): This variant has not been reported in the literature and is not present in large control databases. Evolutionary conservation and computational predictive tools suggest that this variant may not impact the protein. In summary, data on this variant is insufficient for disease classification. Therefore, the clinical significance of this variant is uncertain.